The following is an entry in ClinVar:

NM_000186.4(CFH):c.2669G>T (p.Ser890Ile)

Gene: CFH (complement factor H; plus strand). Cytogenetic location: 1q31.3.
Variant type: single nucleotide variant.
Coding change: c.2669G>T on transcript NM_000186.4 (MANE Select); coding-DNA position 2669, G replaced by T.
Protein change: p.Ser890Ile; replaces serine 890 with isoleucine.
Molecular consequence: missense variant.
Genome position (GRCh38, 1-based): chr1:196,737,547, G>T. VCF-style: chr1-196737547-G-T. GRCh37 (hg19) VCF-style: chr1-196706677-G-T.
Other names: p.Ser890Ile; short protein forms S890I.
Identifiers: ClinVar variation 294507 (VCV000294507.25), dbSNP rs515299, ClinGen allele CA1305711.

ClinVar aggregate classification (germline): Benign/Likely benign. Review status: criteria provided, multiple submitters, no conflicts (2 of 4 stars). 18 submissions from 12 submitters: Benign (14); Likely benign (2). 2 of the submissions do not count toward it. Last evaluated 2026-09-17.

Conditions:
Basal laminar drusen. Also called: DRUSEN OF BRUCH MEMBRANE; DRUSEN, CUTICULAR; DRUSEN, EARLY ADULT-ONSET, GROUPED. Identifiers: Orphanet 75376, MedGen C0730295, MONDO:0007472, OMIM 126700.
Factor H deficiency (CFHD). Also called: COMPLEMENT FACTOR H DEFICIENCY; CFH DEFICIENCY. Identifiers: Orphanet 200421, MedGen C0398777, MONDO:0012350, OMIM 609814.
Age related macular degeneration 4. Identifiers: MedGen C1853147, MONDO:0012540, OMIM 610698.
Atypical hemolytic-uremic syndrome. Identifiers: Orphanet 2134, MedGen C2931788, MONDO:0016244.
CFH-Related Dense Deposit Disease / Membranoproliferative Glomerulonephritis Type II. Identifiers: MedGen CN071292.
Hemolytic uremic syndrome, atypical, susceptibility to, 1. Also called: AHUS, SUSCEPTIBILITY TO, 1. Identifiers: Orphanet 2134, Orphanet 90038, MedGen C2749604, MONDO:0009335, OMIM 235400. Disease mechanism: Other.

Allele frequency attached by ClinVar (database versions not stated): gnomAD 0.05928 and 0.06393; 1000 Genomes Project 0.06230; TOPMed 0.06344; 1000 Genomes Project 30x 0.06355; ESP Exome Variant Server 0.06574.
gnomAD v4.1: 19,201 of 1,613,318 alleles (1.2%); highest among the groups gnomAD compares: African/African-American, 20%; 1,602 homozygotes.

Submissions (18):

Genomenon, Inc
Classification: Benign for Age related macular degeneration 4; Atypical hemolytic-uremic syndrome; Factor H deficiency; Basal laminar drusen. Last evaluated: 2026-09-17. Review status: criteria provided, single submitter. Criteria: Genomenon Sequence Variant Interpretation Standards - Updated. Collection method: curation. Allele origin: germline. Affected: no.
Comment: CFH p.Ser890Ile (c.2669G>T) is a missense variant that changes the amino acid at codon 890 from serine to isoleucine. This variant is present at high allele frequency in population databases. We classify CFH p.Ser890Ile (c.2669G>T) as a benign variant.

Labcorp Genetics (formerly Invitae), Labcorp
Classification: Benign. Last evaluated: 2026-02-03. Review status: criteria provided, single submitter. Criteria: Invitae Variant Classification Sherloc (09022015). Collection method: clinical testing. Allele origin: germline.

Women's Health and Genetics/Laboratory Corporation of America, LabCorp
Classification: Likely benign. Last evaluated: 2026-01-21. Review status: criteria provided, single submitter. Criteria: LabCorp Variant Classification Summary - May 2015. Collection method: clinical testing. Allele origin: germline.

Blueprint Genetics
Classification: Likely benign. Last evaluated: 2024-11-26. Review status: criteria provided, single submitter. Criteria: ACMG Guidelines, 2015. Collection method: clinical testing. Allele origin: germline.

Genome-Nilou Lab
Classification: Benign for Hemolytic uremic syndrome, atypical, susceptibility to, 1. Last evaluated: 2023-04-11. Review status: criteria provided, single submitter. Criteria: ACMG Guidelines, 2015. Collection method: clinical testing. Allele origin: germline. Affected: no.

Genome-Nilou Lab
Classification: Benign for Age related macular degeneration 4. Last evaluated: 2023-04-11. Review status: criteria provided, single submitter. Criteria: ACMG Guidelines, 2015. Collection method: clinical testing. Allele origin: germline. Affected: no.

Genome-Nilou Lab
Classification: Benign for Basal laminar drusen. Last evaluated: 2023-04-11. Review status: criteria provided, single submitter. Criteria: ACMG Guidelines, 2015. Collection method: clinical testing. Allele origin: germline. Affected: no.

Genome-Nilou Lab
Classification: Benign for Factor H deficiency. Last evaluated: 2023-04-11. Review status: criteria provided, single submitter. Criteria: ACMG Guidelines, 2015. Collection method: clinical testing. Allele origin: germline. Affected: no.

Mayo Clinic Laboratories, Mayo Clinic
Classification: Benign. Last evaluated: 2022-09-29. Review status: criteria provided, single submitter. Criteria: ACMG Guidelines, 2015. Collection method: clinical testing. Allele origin: germline. Observed: 289 variant alleles.
Comment: BA1

Genome Diagnostics Laboratory, The Hospital for Sick Children
Classification: Benign for Atypical hemolytic-uremic syndrome. Last evaluated: 2022-07-08. Review status: criteria provided, single submitter. Criteria: ACMG Guidelines, 2015. Collection method: clinical testing. Allele origin: germline.

GeneDx
Classification: Benign. Last evaluated: 2021-05-05. Review status: criteria provided, single submitter. Criteria: GeneDx Variant Classification Process June 2021. Collection method: clinical testing. Allele origin: germline. Affected: yes.
Comment: This variant is associated with the following publications: (PMID: 15800115, 21881555, 24799305, 29888403, 30046676, 29686068, 23431077, 27884173, 20981092)

Illumina Laboratory Services, Illumina
Classification: Benign for Hemolytic uremic syndrome, atypical, susceptibility to, 1. Last evaluated: 2018-03-06. Review status: criteria provided, single submitter. Criteria: ICSL Variant Classification Criteria 13 December 2019. Collection method: clinical testing. Allele origin: germline.
Comment: This variant was observed in the ICSL laboratory as part of a predisposition screen in an ostensibly healthy population. It had not been previously curated by ICSL or reported in the Human Gene Mutation Database (HGMD: prior to June 1st, 2018), and was therefore a candidate for classification through an automated scoring system. Utilizing variant allele frequency, disease prevalence and penetrance estimates, and inheritance mode, an automated score was calculated to assess if this variant is too frequent to cause the disease. Based on the score and internal cut-off values, a variant classified as benign is not then subjected to further curation. The score for this variant resulted in a classification of benign for this disease.

Illumina Laboratory Services, Illumina
Classification: Benign for Age related macular degeneration 4. Last evaluated: 2018-03-06. Review status: criteria provided, single submitter. Criteria: ICSL Variant Classification Criteria 13 December 2019. Collection method: clinical testing. Allele origin: germline.
Comment: the same text as in the submission from Illumina Laboratory Services, Illumina above.

Illumina Laboratory Services, Illumina
Classification: Benign for Membranoproliferative glomerulonephritis with complement factor h deficiency. Last evaluated: 2018-03-06. Review status: criteria provided, single submitter. Criteria: ICSL Variant Classification Criteria 13 December 2019. Collection method: clinical testing. Allele origin: germline.
Comment: the same text as in the submission from Illumina Laboratory Services, Illumina above.

Illumina Laboratory Services, Illumina
Classification: Benign for Basal laminar drusen. Last evaluated: 2018-03-06. Review status: criteria provided, single submitter. Criteria: ICSL Variant Classification Criteria 13 December 2019. Collection method: clinical testing. Allele origin: germline.
Comment: the same text as in the submission from Illumina Laboratory Services, Illumina above.

Breakthrough Genomics
Classification: Benign. Review status: criteria provided, single submitter. Criteria: ACMG Guidelines, 2015. Collection method: not provided. Allele origin: germline. Inheritance: Autosomal recessive inheritance. Affected: yes.

Genome Diagnostics Laboratory, University Medical Center Utrecht
Classification: Likely benign. Review status: no assertion criteria provided. Collection method: clinical testing. Allele origin: germline. Affected: yes. Study: VKGL Data-share Consensus. Not counted in ClinVar's aggregate classification.

Joint Genome Diagnostic Labs from Nijmegen and Maastricht, Radboudumc and MUMC+
Classification: Likely benign. Review status: no assertion criteria provided. Collection method: clinical testing. Allele origin: germline. Affected: yes. Study: VKGL Data-share Consensus. Not counted in ClinVar's aggregate classification.